The following is an entry in ClinVar:

NM_015557.3(CHD5):c.336G>A (p.Lys112=)

Gene: CHD5 (chromodomain helicase DNA binding protein 5; minus strand). Cytogenetic location: 1p36.31.
Variant type: single nucleotide variant.
Coding change: c.336G>A on transcript NM_015557.3 (MANE Select); coding-DNA position 336, G replaced by A.
Protein change: p.Lys112=; no amino-acid change (lysine 112 retained).
Molecular consequence: synonymous variant.
Genome position (GRCh38, 1-based): chr1:6,159,387, C>T on the plus strand (G>A on the coding strand, the complement: CHD5 is on the minus strand). VCF-style: chr1-6159387-C-T. GRCh37 (hg19) VCF-style: chr1-6219447-C-T.
Identifiers: ClinVar variation 4977878 (VCV004977878.1).
Genomic context (GRCh38, chr1:6,159,387, plus strand): 5'-CACAGTTACCTTTAAGCATCCATCATCATTATCATCCTCATCCTCATCCTTCTTTTTTCG[C>T]TTGGCTTTTTTCTCCTTCTTGTCCTTGAGTTTCTTCTTCTTCTTTTTATTCGGGGAGTAG-3'
Protein context (NP_056372.1, residues 102-122): KLKDKKEKKA[Lys112=]RKKKDEDEDD

ClinVar aggregate classification (germline): Likely benign (1 of 4 stars; one submission).

Conditions:
CHD5-related disorder. Also called: CHD5-related condition.

Submission:

PreventionGenetics, part of Exact Sciences
Classification: Likely benign for CHD5-related condition. Last evaluated: 2025-01-06. Review status: criteria provided, single submitter. Criteria: ACMG Guidelines, 2015. Collection method: clinical testing. Allele origin: germline.
Comment: This variant is classified as likely benign based on ACMG/AMP sequence variant interpretation guidelines (Richards et al. 2015 PMID: 25741868, with internal and published modifications).